The following is an entry in ClinVar:

ClinVar aggregate classification (germline): Uncertain significance (1 of 4 stars; one submission).

Conditions:
Gastrointestinal stromal tumor. Also called: Gastrointestinal stromal tumor, somatic; Gastrointestinal stroma tumor. Identifiers: Orphanet 44890, MedGen C0238198, MeSH D046152, MONDO:0011719, OMIM 606764, HP:0100723.

Submission:

Labcorp Genetics (formerly Invitae), Labcorp
Classification: Uncertain significance for Gastrointestinal stromal tumor. Last evaluated: 2018-05-09. Review status: criteria provided, single submitter. Criteria: Invitae Variant Classification Sherloc (09022015). Collection method: clinical testing. Allele origin: germline.
Comment: Algorithms developed to predict the effect of missense changes on protein structure and function (SIFT, PolyPhen-2, Align-GVGD) all suggest that this variant is likely to be disruptive, but these predictions have not been confirmed by published functional studies and their clinical significance is uncertain. This variant has not been reported in the literature in individuals with KIT-related disease. This variant is not present in population databases (ExAC no frequency). This sequence change replaces asparagine with isoleucine at codon 567 of the KIT protein (p.Asn567Ile). The asparagine residue is highly conserved and there is a large physicochemical difference between asparagine and isoleucine. In summary, the available evidence is currently insufficient to determine the role of this variant in disease. Therefore, it has been classified as a Variant of Uncertain Significance.

NM_000222.3(KIT):c.1700A>T (p.Asn567Ile)

Gene: KIT (KIT proto-oncogene, receptor tyrosine kinase; plus strand). Cytogenetic location: 4q12.
Variant type: single nucleotide variant.
Coding change: c.1700A>T on transcript NM_000222.3 (MANE Select); coding-DNA position 1700, A replaced by T.
Protein change: p.Asn567Ile; replaces asparagine 567 with isoleucine.
Molecular consequence: missense variant.
Genome position (GRCh38, 1-based): chr4:54,727,468, A>T. VCF-style: chr4-54727468-A-T. GRCh37 (hg19) VCF-style: chr4-55593634-A-T.
Other names: c.1688A>T, p.Asn563Ile (NM_001093772.2, NM_001385286.1); c.1703A>T, p.Asn568Ile (NM_001385284.1, NM_001385290.1); c.1700A>T, p.Asn567Ile (NM_001385285.1); c.1691A>T, p.Asn564Ile (NM_001385288.1, NM_001385292.1); short protein forms N567I, N563I, N564I, N568I.
Identifiers: ClinVar variation 579532 (VCV000579532.9), dbSNP rs1016976398, ClinGen allele CA356907520.